The following is an entry in ClinVar:

ClinVar aggregate classification (germline): Uncertain significance. Review status: criteria provided, multiple submitters, no conflicts (2 of 4 stars). 2 submissions from 2 submitters: Uncertain significance (2). Last evaluated 2025-06-12.

gnomAD v4.1: 27 of 1,591,882 alleles (0.0017%); highest among the groups gnomAD compares: Middle Eastern, 0.02%; no homozygotes.

Submissions (2):

Labcorp Genetics (formerly Invitae), Labcorp
Classification: Uncertain significance. Last evaluated: 2025-06-12. Review status: criteria provided, single submitter. Criteria: Invitae Variant Classification Sherloc (09022015). Collection method: clinical testing. Allele origin: germline.
Comment: This sequence change replaces serine, which is neutral and polar, with cysteine, which is neutral and slightly polar, at codon 27 of the NUP133 protein (p.Ser27Cys). This variant is present in population databases (rs745951330, gnomAD 0.03%). This variant has not been reported in the literature in individuals affected with NUP133-related conditions. ClinVar contains an entry for this variant (Variation ID: 2068505). An algorithm developed to predict the effect of missense changes on protein structure and function (PolyPhen-2) suggests that this variant is likely to be disruptive. In summary, the available evidence is currently insufficient to determine the role of this variant in disease. Therefore, it has been classified as a Variant of Uncertain Significance.

Ambry Genetics
Classification: Uncertain significance. Last evaluated: 2024-12-13. Review status: criteria provided, single submitter. Criteria: Ambry Variant Classification Scheme 2023. Collection method: clinical testing. Allele origin: germline.

NM_018230.3(NUP133):c.80C>G (p.Ser27Cys)

Genes: NUP133 (nucleoporin 133; minus strand), LOC129932732 (ATAC-STARR-seq lymphoblastoid silent region 1931; plus strand). Cytogenetic location: 1q42.13.
Variant type: single nucleotide variant.
Coding change: c.80C>G on transcript NM_018230.3 (MANE Select); coding-DNA position 80, C replaced by G.
Protein change: p.Ser27Cys; replaces serine 27 with cysteine.
Molecular consequence: missense variant.
Genome position (GRCh38, 1-based): chr1:229,508,170, G>C on the plus strand (C>G on the coding strand, the complement: NUP133 is on the minus strand). VCF-style: chr1-229508170-G-C. GRCh37 (hg19) VCF-style: chr1-229643917-G-C.
Other names: c.80C>G (NM_018230.2); short protein forms S27C.
Identifiers: ClinVar variation 2068505 (VCV002068505.5), dbSNP rs745951330, ClinGen allele CA1443959.